The following is an entry in ClinVar:

ClinVar aggregate classification (germline): Uncertain significance. Review status: criteria provided, multiple submitters, no conflicts (2 of 4 stars). 2 submissions from 2 submitters: Uncertain significance (2). Last evaluated 2025-01-03.

Conditions:
Osteogenesis imperfecta type I (OI1). Also called: Lobstein's Disease; Classic Non-deforming Osteogenesis Imperfecta with Blue Sclerae; OI, TYPE I; OSTEOGENESIS IMPERFECTA TARDA; OSTEOGENESIS IMPERFECTA WITH BLUE SCLERAE; Osteogenesis imperfecta type 1. Identifiers: Orphanet 216796, Orphanet 666, MedGen C0023931, MONDO:0008146, OMIM 166200. Disease mechanism: loss of function.

Submissions (2):

GeneDx
Classification: Uncertain significance. Last evaluated: 2025-01-03. Review status: criteria provided, single submitter. Criteria: GeneDx Variant Classification Process June 2021. Collection method: clinical testing. Allele origin: germline. Affected: yes.
Comment: Not observed at significant frequency in large population cohorts (gnomAD); In silico analysis indicates that this missense variant does not alter protein structure/function; Has not been previously published as pathogenic or benign to our knowledge; Not located in the triple helical region, where the majority of pathogenic missense variants occur (HGMD)

Labcorp Genetics (formerly Invitae), Labcorp
Classification: Uncertain significance for Osteogenesis imperfecta type I. Last evaluated: 2022-06-13. Review status: criteria provided, single submitter. Criteria: Invitae Variant Classification Sherloc (09022015). Collection method: clinical testing. Allele origin: germline.
Comment: In summary, the available evidence is currently insufficient to determine the role of this variant in disease. Therefore, it has been classified as a Variant of Uncertain Significance. Advanced modeling of protein sequence and biophysical properties (such as structural, functional, and spatial information, amino acid conservation, physicochemical variation, residue mobility, and thermodynamic stability) performed at Invitae indicates that this missense variant is not expected to disrupt COL1A1 protein function. This missense change has been observed in individual(s) with the COL1A1-related conditions (Invitae). This variant is not present in population databases (gnomAD no frequency). This sequence change replaces arginine, which is basic and polar, with proline, which is neutral and non-polar, at codon 59 of the COL1A1 protein (p.Arg59Pro).

NM_000088.4(COL1A1):c.176G>C (p.Arg59Pro)

Gene: COL1A1 (collagen type I alpha 1 chain; minus strand). Cytogenetic location: 17q21.33.
Variant type: single nucleotide variant.
Coding change: c.176G>C on transcript NM_000088.4 (MANE Select); coding-DNA position 176, G replaced by C.
Protein change: p.Arg59Pro; replaces arginine 59 with proline.
Molecular consequence: missense variant.
Genome position (GRCh38, 1-based): chr17:50,199,875, C>G on the plus strand (G>C on the coding strand, the complement: COL1A1 is on the minus strand). VCF-style: chr17-50199875-C-G. GRCh37 (hg19) VCF-style: chr17-48277236-C-G.
Other names: c.176G>C (NM_000088.3); short protein forms R59P.
Identifiers: ClinVar variation 1482507 (VCV001482507.9), dbSNP rs2144594400, ClinGen allele CA400228485.
Genomic context (GRCh38, chr17:50,199,875, plus strand): 5'-TTGGTCTCGTCACAGATCACGTCATCGCACAACACCTTGCCGTTGTCGCAGACGCAGATC[C>G]GGCAGGGCTCGGGTTTCCACACGTCTCGGTCATGGTACCTGAGGCCGTTCTGTACGCAGG-3'
Protein context (NP_000079.2, residues 49-69): DRDVWKPEPC[Arg59Pro]ICVCDNGKVL